The following is an entry in ClinVar:

ClinVar aggregate classification (germline): Pathogenic (1 of 4 stars; one submission).

Conditions:
Hereditary breast ovarian cancer syndrome. Also called: Hereditary breast and ovarian cancer syndrome (HBOC); Breast and ovarian cancer; Hereditary breast and ovarian cancer syndrome; Hereditary breast and/or ovarian cancer syndrome; Hereditary breast and ovarian cancer; BRCA1- and BRCA2-Associated Hereditary Breast and Ovarian Cancer. Identifiers: Orphanet 145, MedGen C0677776, MeSH D061325, MONDO:0003582. Disease mechanism: loss of function.

Submission:

Labcorp Genetics (formerly Invitae), Labcorp
Classification: Pathogenic for Hereditary breast ovarian cancer syndrome. Last evaluated: 2021-09-23. Review status: criteria provided, single submitter. Criteria: Invitae Variant Classification Sherloc (09022015). Collection method: clinical testing. Allele origin: germline.
Comment: For these reasons, this variant has been classified as Pathogenic. This variant has not been reported in the literature in individuals affected with BRCA1-related conditions. This variant is not present in population databases (ExAC no frequency). This sequence change creates a premature translational stop signal (p.Asn1626Lysfs*7) in the BRCA1 gene. It is expected to result in an absent or disrupted protein product. Loss-of-function variants in BRCA1 are known to be pathogenic (PMID: 20104584).

Literature cited by the submitters: PubMed 20104584.

NM_007294.4(BRCA1):c.4878del (p.Asn1626fs)

Gene: BRCA1 (BRCA1 DNA repair associated; minus strand). Cytogenetic location: 17q21.31.
Variant type: Deletion.
Coding change: c.4878del on transcript NM_007294.4 (MANE Select); coding-DNA position 4878, one base deleted (T; older notation c.4878delT).
Protein change: p.Asn1626fs; shifts the reading frame from asparagine 1626.
Molecular consequence: frameshift variant. On other transcripts: non-coding transcript variant (1).
Genome position (GRCh38, 1-based): chr17:43,071,036, A deleted on the plus strand (T on the coding strand, the reverse complement: BRCA1 is on the minus strand). VCF-style (leftmost placement, unchanged base first): chr17-43071035-CA-C. GRCh37 (hg19) VCF-style: chr17-41223052-CA-C.
Other names: c.4875delT, p.Asn1625Lysfs (NM_001407616.1, NM_001407617.1, NM_001407618.1 and 17 more transcripts); c.4872delT, p.Asn1624Lysfs (NM_001407627.1, NM_001407628.1, NM_001407629.1 and 14 more transcripts); c.4869delT, p.Asn1623Lysfs (NM_001407644.1, NM_001407645.1); c.4866delT, p.Asn1622Lysfs (NM_001407646.1); c.4863delT, p.Asn1621Lysfs (NM_001407647.1); c.4821delT, p.Asn1607Lysfs (NM_001407648.1); c.4818delT, p.Asn1606Lysfs (NM_001407649.1); c.4878delT, p.Asn1626Lysfs (NM_001407652.1, NM_001407684.1, NM_001407854.1 and 8 more transcripts); and 73 more; short protein forms N1626fs, N1579fs, N1647fs, N522fs.
Identifiers: ClinVar variation 1409786 (VCV001409786.7), dbSNP rs2153826963, ClinGen allele CA2573154030.